The following is an entry in ClinVar:

NM_000141.5(FGFR2):c.1991G>A (p.Arg664Gln)

Gene: FGFR2 (fibroblast growth factor receptor 2; minus strand). Cytogenetic location: 10q26.13.
Variant type: single nucleotide variant.
Coding change: c.1991G>A on transcript NM_000141.5 (MANE Select); coding-DNA position 1991, G replaced by A.
Protein change: p.Arg664Gln; replaces arginine 664 with glutamine.
Molecular consequence: missense variant. On other transcripts: non-coding transcript variant (1).
Genome position (GRCh38, 1-based): chr10:121,487,420, C>T on the plus strand (G>A on the coding strand, the complement: FGFR2 is on the minus strand). VCF-style: chr10-121487420-C-T. GRCh37 (hg19) VCF-style: chr10-123246934-C-T.
Other names: c.1994G>A, p.Arg665Gln (NM_001144913.1, NM_022970.4); c.1655G>A, p.Arg552Gln (NM_001144914.1); c.1724G>A, p.Arg575Gln (NM_001144915.2, NM_023029.3); c.1646G>A, p.Arg549Gln (NM_001144916.2); c.1643G>A, p.Arg548Gln (NM_001144917.2); c.1640G>A, p.Arg547Gln (NM_001144918.2); c.1727G>A, p.Arg576Gln (NM_001144919.2); c.1307G>A, p.Arg436Gln (NM_001320654.2); and 1 more; short protein forms R664Q, R665Q, R547Q, R549Q, R662Q, R436Q, R548Q, R552Q.
Identifiers: ClinVar variation 521431 (VCV000521431.6), dbSNP rs1554907364, ClinGen allele CA378313384.
Genomic context (GRCh38, chr10:121,487,420, plus strand): 5'-CTCTGATGAGTGTATACTCTATCAAACAGGGCTTCTGGAGCCATCCACTTGACTGGAAGC[C>T]GCCCCTGCAAATGTAGAGGAAAATGCAAAAACTAAATATATTTAAAAGAATTTATCTTAG-3'
Protein context (NP_000132.3, residues 654-674): IDYYKKTTNG[Arg664Gln]LPVKWMAPEA

ClinVar aggregate classification (germline): Conflicting classifications of pathogenicity. Review status: criteria provided, conflicting classifications (1 of 4 stars). 2 submissions from 2 submitters: Likely pathogenic (1); Uncertain significance (1). Last evaluated 2026-01-22.

Conditions:
Inborn genetic diseases. Identifiers: MedGen C0950123, MeSH D030342.

Submissions (2):

Dasa
Classification: Uncertain significance. Last evaluated: 2026-01-22. Review status: criteria provided, single submitter. Criteria: DASA Assertion Criteria. Collection method: clinical testing. Allele origin: germline.
Comment: NM_000141.5(FGFR2):c.1991G>A (p.Arg664Gln) is a missense variant that results in the substitution of arginine with glutamine. The affected residue or protein region has prior evidence supporting clinical relevance. This variant is absent from population databases. Computational prediction algorithms are consistent with a deleterious effect. The currently available literature and clinical evidence are not sufficient to establish a definitive association between this variant and the reported condition. Therefore, this variant is classified as a variant of uncertain significance.

Ambry Genetics
Classification: Likely pathogenic for Inborn genetic diseases. Last evaluated: 2016-12-23. Review status: criteria provided, single submitter. Criteria: Ambry exome assertion method (8-5-2015). Collection method: clinical testing. Allele origin: germline. Affected: yes. Observed: 2 variant alleles.